The following is an entry in ClinVar:

NM_015386.3(COG4):c.2041G>A (p.Gly681Ser)

Gene: COG4 (component of oligomeric golgi complex 4; minus strand). Cytogenetic location: 16q22.1.
Variant type: single nucleotide variant.
Coding change: c.2041G>A on transcript NM_015386.3 (MANE Select); coding-DNA position 2041, G replaced by A.
Protein change: p.Gly681Ser; replaces glycine 681 with serine.
Molecular consequence: missense variant. On other transcripts: non-coding transcript variant (1).
Genome position (GRCh38, 1-based): chr16:70,481,829, C>T on the plus strand (G>A on the coding strand, the complement: COG4 is on the minus strand). VCF-style: chr16-70481829-C-T. GRCh37 (hg19) VCF-style: chr16-70515732-C-T.
Other names: c.1966G>A, p.Gly656Ser (NM_001195139.2); c.1615G>A, p.Gly539Ser (NM_001365426.1); c.2041G>A (NM_015386.2); short protein forms G539S, G681S, G656S.
Identifiers: ClinVar variation 1035424 (VCV001035424.23), dbSNP rs547599836, ClinGen allele CA8144070.

ClinVar aggregate classification (germline): Conflicting classifications of pathogenicity. Review status: criteria provided, conflicting classifications (1 of 4 stars). 3 submissions from 3 submitters: Uncertain significance (2); Likely benign (1). Last evaluated 2025-09-10.

Conditions:
COG4-congenital disorder of glycosylation. Also called: CONGENITAL DISORDER OF GLYCOSYLATION, TYPE IIj; CDG IIj; COG4-CDG. Identifiers: Orphanet 263501, MedGen C4303552, MONDO:0013281, OMIM 613489.
Inborn genetic diseases. Identifiers: MedGen C0950123, MeSH D030342.

Allele frequency attached by ClinVar (database versions not stated): gnomAD 0.00004 and 0.00006; TOPMed 0.00007; 1000 Genomes Project 30x 0.00031; 1000 Genomes Project 0.00040.
gnomAD v4.1: 107 of 1,613,996 alleles (0.0066%); highest among the groups gnomAD compares: South Asian, 0.058%; no homozygotes.

Submissions (3):

Ambry Genetics
Classification: Likely benign for Inborn genetic diseases. Last evaluated: 2025-09-10. Review status: criteria provided, single submitter. Criteria: Ambry Variant Classification Scheme 2023. Collection method: clinical testing. Allele origin: germline.

Labcorp Genetics (formerly Invitae), Labcorp
Classification: Uncertain significance for COG4-congenital disorder of glycosylation. Last evaluated: 2025-08-21. Review status: criteria provided, single submitter. Criteria: Invitae Variant Classification Sherloc (09022015). Collection method: clinical testing. Allele origin: germline.
Comment: This sequence change replaces glycine, which is neutral and non-polar, with serine, which is neutral and polar, at codon 681 of the COG4 protein (p.Gly681Ser). This variant is present in population databases (rs547599836, gnomAD 0.08%). This variant has not been reported in the literature in individuals affected with COG4-related conditions. ClinVar contains an entry for this variant (Variation ID: 1035424). Invitae Evidence Modeling of protein sequence and biophysical properties (such as structural, functional, and spatial information, amino acid conservation, physicochemical variation, residue mobility, and thermodynamic stability) indicates that this missense variant is not expected to disrupt COG4 protein function with a negative predictive value of 80%. In summary, the available evidence is currently insufficient to determine the role of this variant in disease. Therefore, it has been classified as a Variant of Uncertain Significance.

CeGaT Center for Human Genetics Tuebingen
Classification: Uncertain significance. Last evaluated: 2025-02-01. Review status: criteria provided, single submitter. Criteria: CeGaT Center For Human Genetics Tuebingen Variant Classification Criteria Version 2. Collection method: clinical testing. Allele origin: germline. Affected: yes. Observed: 1 variant allele.
Comment: COG4: PM2, BP4